The following is an entry in ClinVar:

NM_000969.5(RPL5):c.2T>G (p.Met1Arg)

Gene: RPL5 (ribosomal protein L5; plus strand). Cytogenetic location: 1p22.1.
Variant type: single nucleotide variant.
Coding change: c.2T>G on transcript NM_000969.5 (MANE Select); coding-DNA position 2, T replaced by G.
Protein change: p.Met1Arg; changes the start codon (methionine 1).
Molecular consequence: missense variant, initiator codon variant. On other transcripts: non-coding transcript variant (1).
Genome position (GRCh38, 1-based): chr1:92,832,116, T>G. VCF-style: chr1-92832116-T-G. GRCh37 (hg19) VCF-style: chr1-93297673-T-G.
Other names: short protein forms M1R.
Identifiers: ClinVar variation 2202776 (VCV002202776.5), dbSNP rs2524440255, ClinGen allele CA341240576.

ClinVar aggregate classification (germline): Pathogenic (1 of 4 stars; one submission).

Conditions:
Diamond-Blackfan anemia. Also called: Blackfan Diamond syndrome; Aregenerative anemia chronic congenital; Red cell aplasia, pure hereditary; Congenital hypoplastic anemia; Aase syndrome. Identifiers: Orphanet 124, MedGen C1260899, MeSH D029503, MONDO:0015253, HP:0004810.

Submission:

Labcorp Genetics (formerly Invitae), Labcorp
Classification: Pathogenic for Diamond-Blackfan anemia. Last evaluated: 2022-08-22. Review status: criteria provided, single submitter. Criteria: Invitae Variant Classification Sherloc (09022015). Collection method: clinical testing. Allele origin: germline.
Comment: This sequence change affects the initiator methionine of the RPL5 mRNA. The next in-frame methionine is located at codon 51. This variant is not present in population databases (gnomAD no frequency). Disruption of the initiator codon has been observed in individuals with Diamond-Blackfan anemia (PMID: 19773262, 20378560, 20960466, 30503522; Invitae). For these reasons, this variant has been classified as Pathogenic.

Literature cited by the submitters: PubMed 19773262; PubMed 20378560; PubMed 20960466; PubMed 30503522.